The following is an entry in ClinVar:

NM_006509.4(RELB):c.1304G>A (p.Arg435Gln)

Gene: RELB (RELB proto-oncogene, NF-kB subunit; plus strand). Cytogenetic location: 19q13.32.
Variant type: single nucleotide variant.
Coding change: c.1304G>A on transcript NM_006509.4 (MANE Select); coding-DNA position 1304, G replaced by A.
Protein change: p.Arg435Gln; replaces arginine 435 with glutamine.
Molecular consequence: missense variant.
Genome position (GRCh38, 1-based): chr19:45,034,478, G>A. VCF-style: chr19-45034478-G-A. GRCh37 (hg19) VCF-style: chr19-45537736-G-A.
Other names: c.1295G>A, p.Arg432Gln (NM_001411087.1); short protein forms R432Q, R435Q.
Identifiers: ClinVar variation 2828506 (VCV002828506.3), dbSNP rs757926411, ClinGen allele CA308904944.
Genomic context (GRCh38, chr19:45,034,478, plus strand): 5'-GGAACAGGGGTCCTCATCTCTGCCTTCCCTCAGACCCCCATGGCATCGAGAGCAAACGGC[G>A]GAAGAAAAAGCCGGCCATCCTGGACCACTTCCTGCCCAACCACGGCTCAGGTGGGTCCCA-3'
Protein context (NP_006500.2, residues 425-445): SDPHGIESKR[Arg435Gln]KKKPAILDHF

ClinVar aggregate classification (germline): Uncertain significance (1 of 4 stars; one submission).

Allele frequency attached by ClinVar (database versions not stated): gnomAD 0.00001; gnomAD exomes 0.00001; TOPMed 0.00001.
gnomAD v4.1: 10 of 1,610,936 alleles (0.00062%); highest among the groups gnomAD compares: South Asian, 0.0011%; no homozygotes.

Submission:

Labcorp Genetics (formerly Invitae), Labcorp
Classification: Uncertain significance. Last evaluated: 2023-05-21. Review status: criteria provided, single submitter. Criteria: Invitae Variant Classification Sherloc (09022015). Collection method: clinical testing. Allele origin: germline.
Comment: This sequence change replaces arginine, which is basic and polar, with glutamine, which is neutral and polar, at codon 435 of the RELB protein (p.Arg435Gln). The frequency data for this variant in the population databases is considered unreliable, as metrics indicate poor data quality at this position in the gnomAD database. This variant has not been reported in the literature in individuals affected with RELB-related conditions. An algorithm developed to predict the effect of missense changes on protein structure and function (PolyPhen-2) suggests that this variant is likely to be disruptive. In summary, the available evidence is currently insufficient to determine the role of this variant in disease. Therefore, it has been classified as a Variant of Uncertain Significance.